The following is an entry in ClinVar:

NM_173630.4(RTTN):c.4864G>A (p.Asp1622Asn)

Gene: RTTN (rotatin; minus strand). Cytogenetic location: 18q22.2.
Variant type: single nucleotide variant.
Coding change: c.4864G>A on transcript NM_173630.4 (MANE Select); coding-DNA position 4864, G replaced by A.
Protein change: p.Asp1622Asn; replaces aspartic acid 1622 with asparagine.
Molecular consequence: missense variant.
Genome position (GRCh38, 1-based): chr18:70,059,926, C>T on the plus strand (G>A on the coding strand, the complement: RTTN is on the minus strand). VCF-style: chr18-70059926-C-T. GRCh37 (hg19) VCF-style: chr18-67727162-C-T.
Other names: c.2128G>A, p.Asp710Asn (NM_001318520.2); short protein forms D1622N, D710N.
Identifiers: ClinVar variation 281568 (VCV000281568.8), dbSNP rs886042189, ClinGen allele CA10603915.

ClinVar aggregate classification (germline): Uncertain significance. Review status: criteria provided, multiple submitters, no conflicts (2 of 4 stars). 3 submissions from 3 submitters: Uncertain significance (3). Last evaluated 2021-08-07.

Conditions:
Microcephalic primordial dwarfism due to RTTN deficiency (MSSP). Also called: Microcephaly, short stature, and polymicrogyria with or without seizures; MICROCEPHALY, SHORT STATURE, AND POLYMICROGYRIA. Identifiers: Orphanet 468631, MedGen C3553831, MONDO:0018764, OMIM 614833.

Allele frequency attached by ClinVar (database versions not stated): gnomAD 0.00001 and 0.00003; TOPMed 0.00001; gnomAD exomes 0.00003.
gnomAD v4.1: 44 of 1,613,744 alleles (0.0027%); highest among the groups gnomAD compares: East Asian, 0.082%; no homozygotes.

Submissions (3):

Labcorp Genetics (formerly Invitae), Labcorp
Classification: Uncertain significance. Last evaluated: 2021-08-07. Review status: criteria provided, single submitter. Criteria: Invitae Variant Classification Sherloc (09022015). Collection method: clinical testing. Allele origin: germline.
Comment: This sequence change replaces aspartic acid with asparagine at codon 1622 of the RTTN protein (p.Asp1622Asn). The aspartic acid residue is moderately conserved and there is a small physicochemical difference between aspartic acid and asparagine. This variant is not present in population databases (ExAC no frequency). This variant has not been reported in the literature in individuals affected with RTTN-related conditions. ClinVar contains an entry for this variant (Variation ID: 281568). Algorithms developed to predict the effect of missense changes on protein structure and function (SIFT, PolyPhen-2, Align-GVGD) all suggest that this variant is likely to be tolerated. In summary, the available evidence is currently insufficient to determine the role of this variant in disease. Therefore, it has been classified as a Variant of Uncertain Significance.

Baylor Genetics
Classification: Uncertain significance for Microcephalic primordial dwarfism due to RTTN deficiency. Last evaluated: 2019-04-15. Review status: criteria provided, single submitter. Criteria: ACMG Guidelines, 2015. Collection method: clinical testing. Allele origin: maternal. Affected: yes.
Comment: This variant was determined to be of uncertain significance according to ACMG Guidelines, 2015 [PMID:25741868].

Eurofins Ntd Llc (ga)
Classification: Uncertain significance. Last evaluated: 2015-06-29. Review status: criteria provided, single submitter. Criteria: EGL Classification Definitions 2015. Collection method: clinical testing. Allele origin: germline. Observed: 1 variant allele, 1 heterozygote.